The following is an entry in ClinVar:

NM_001184880.2(PCDH19):c.3436_3437dup (p.Val1147fs)

Gene: PCDH19 (protocadherin 19; minus strand). Cytogenetic location: Xq22.1.
Variant type: Microsatellite.
Coding change: c.3436_3437dup on transcript NM_001184880.2 (MANE Select); coding-DNA positions 3436 to 3437, 2 bases duplicated (AT; older notation c.3436_3437dupAT).
Protein change: p.Val1147fs; shifts the reading frame from valine 1147.
Molecular consequence: frameshift variant.
Genome position (GRCh38, 1-based): chrX:100,296,287-100,296,288, AT duplicated on the plus strand (AT on the coding strand, the reverse complement: PCDH19 is on the minus strand); duplicating any 2 consecutive bases within chrX:100,296,287-100,296,290 gives the same sequence; the c. name uses the placement nearest the transcript's 3' end. VCF-style (leftmost placement, unchanged base first): chrX-100296286-G-GAT. GRCh37 (hg19) VCF-style: chrX-99551284-G-GAT.
Other names: c.3295_3296dup, p.Val1100fs (NM_001105243.2); c.3292_3293dup, p.Val1099fs (NM_020766.3); short protein forms V1099fs, V1100fs, V1147fs.
Identifiers: ClinVar variation 1006245 (VCV001006245.9), dbSNP rs1924597176, ClinGen allele CA2447940567.
Genomic context (GRCh38, chrX:100,296,286, plus strand): 5'-TGCTTCTTCACTAGCCAGTGTGGTTTCTTTCTCTTCTTCCTGGAGACTGGTTTAGAGAAC[G>GAT]ATATCCTTCAGACGCTTCACACCAGGGGACTCTTTGTTGCGACCTTCCTTCAGAATGGGG-3'

ClinVar aggregate classification (germline): Uncertain significance (1 of 4 stars; one submission).

Conditions:
Developmental and epileptic encephalopathy, 9 (DEE9). Also called: Early infantile epileptic encephalopathy 9; EPILEPSY, FEMALE-RESTRICTED, WITH MENTAL RETARDATION; JUBERG-HELLMAN SYNDROME; PCDH19-Related X-Linked Female-Limited Epilepsy with Mental Retardation. Identifiers: Orphanet 101039, Orphanet 2076, MedGen C1848137, MONDO:0010246, OMIM 300088. Disease mechanism: loss of function.

Submission:

Labcorp Genetics (formerly Invitae), Labcorp
Classification: Uncertain significance for Developmental and epileptic encephalopathy, 9. Last evaluated: 2021-06-16. Review status: criteria provided, single submitter. Criteria: Invitae Variant Classification Sherloc (09022015). Collection method: clinical testing. Allele origin: germline.
Comment: This variant has been observed in individual(s) with clinical features of early infantile epileptic encephalopathy (Invitae). This variant is not present in population databases (ExAC no frequency). This sequence change results in a frameshift in the PCDH19 gene (p.Val1147Serfs*50). While this is not anticipated to result in nonsense mediated decay, it is expected to disrupt the last 2 amino acids of the PCDH19 protein and extend the protein by an additional 47 amino acids. Experimental studies and prediction algorithms are not available or were not evaluated, and the functional significance of this variant is currently unknown. In summary, the available evidence is currently insufficient to determine the role of this variant in disease. Therefore, it has been classified as a Variant of Uncertain Significance.